The following is an entry in ClinVar:

NM_001378454.1(ALMS1):c.62_85del (p.Glu21_Glu28del)

Gene: ALMS1 (ALMS1 centrosome and basal body associated protein; plus strand). Cytogenetic location: 2p13.1.
Variant type: Deletion.
Coding change: c.62_85del on transcript NM_001378454.1 (MANE Select); coding-DNA positions 62 to 85, 24 bases deleted (AGGAGGAGGAGGAAGAGGAGGAGG).
Protein change: p.Glu21_Glu28del.
Molecular consequence: inframe deletion.
Genome position (GRCh38, 1-based): chr2:73,385,930-73,385,953, AGGAGGAGGAGGAAGAGGAGGAGG deleted; deleting any 24 consecutive bases within chr2:73,385,920-73,385,953 gives the same sequence; the c. name uses the placement nearest the transcript's 3' end. VCF-style (leftmost placement, unchanged base first): chr2-73385919-GGAGGAGGAGGAGGAGGAGGAGGAA-G. GRCh37 (hg19) VCF-style: chr2-73613047-GGAGGAGGAGGAGGAGGAGGAGGAA-G.
Other names: c.65_88del, p.Glu22_Glu29del (NM_015120.4); c.62_85del24 (NM_015120.4).
Identifiers: ClinVar variation 3355830 (VCV003355830.1).
Genomic context (GRCh38, chr2:73,385,919, plus strand): 5'-AGACACCAACATGGAGCCCGAGGATCTGCCATGGCCGGGCGAGCTGGAGGAGGAGGAGGA[GGAGGAGGAGGAGGAGGAGGAGGAA>G]GAGGAGGAGGCTGCAGCGGCGGCGGCGGCGAACGTGGACGACGTAGTGGTCGTGGAGGAG-3'

ClinVar aggregate classification (germline): Likely benign (0 of 4 stars; one submission).

Conditions:
ALMS1-related disorder. Also called: ALMS1-related condition.

Submission:

PreventionGenetics, part of Exact Sciences
Classification: Likely benign for ALMS1-related condition. Last evaluated: 2024-05-29. Review status: no assertion criteria provided. Collection method: clinical testing. Allele origin: germline.
Comment: This variant is classified as likely benign based on ACMG/AMP sequence variant interpretation guidelines (Richards et al. 2015 PMID: 25741868, with internal and published modifications).